The following is an entry in ClinVar:

NM_000387.6(SLC25A20):c.632G>A (p.Arg211Gln)

Gene: SLC25A20 (solute carrier family 25 member 20; minus strand). Cytogenetic location: 3p21.31.
Variant type: single nucleotide variant.
Coding change: c.632G>A on transcript NM_000387.6 (MANE Select); coding-DNA position 632, G replaced by A.
Protein change: p.Arg211Gln; replaces arginine 211 with glutamine.
Molecular consequence: missense variant.
Genome position (GRCh38, 1-based): chr3:48,859,178, C>T on the plus strand (G>A on the coding strand, the complement: SLC25A20 is on the minus strand). VCF-style: chr3-48859178-C-T. GRCh37 (hg19) VCF-style: chr3-48896611-C-T.
Other names: c.632G>A (NM_000387.5); short protein forms R211Q.
Identifiers: ClinVar variation 2428403 (VCV002428403.6), dbSNP rs200418177, ClinGen allele CA2387325.

ClinVar aggregate classification (germline): Uncertain significance. Review status: criteria provided, multiple submitters, no conflicts (2 of 4 stars). 2 submissions from 2 submitters: Uncertain significance (2). Last evaluated 2023-11-13.

Conditions:
Inborn genetic diseases. Identifiers: MedGen C0950123, MeSH D030342.
Carnitine acylcarnitine translocase deficiency (CACTD). Identifiers: Orphanet 159, MedGen C0342791, MONDO:0008918, OMIM 212138.

Allele frequency attached by ClinVar (database versions not stated): TOPMed 0.00003; gnomAD 0.00004; 1000 Genomes Project 0.00020; 1000 Genomes Project 30x 0.00031.

Submissions (2):

Ambry Genetics
Classification: Uncertain significance for Inborn genetic diseases. Last evaluated: 2023-11-13. Review status: criteria provided, single submitter. Criteria: Ambry Variant Classification Scheme 2023. Collection method: clinical testing. Allele origin: germline.

Labcorp Genetics (formerly Invitae), Labcorp
Classification: Uncertain significance for Carnitine acylcarnitine translocase deficiency. Last evaluated: 2022-10-17. Review status: criteria provided, single submitter. Criteria: Invitae Variant Classification Sherloc (09022015). Collection method: clinical testing. Allele origin: germline.
Comment: This variant has not been reported in the literature in individuals affected with SLC25A20-related conditions. This variant is present in population databases (rs200418177, gnomAD 0.008%). This sequence change replaces arginine, which is basic and polar, with glutamine, which is neutral and polar, at codon 211 of the SLC25A20 protein (p.Arg211Gln). In summary, the available evidence is currently insufficient to determine the role of this variant in disease. Therefore, it has been classified as a Variant of Uncertain Significance. Advanced modeling of protein sequence and biophysical properties (such as structural, functional, and spatial information, amino acid conservation, physicochemical variation, residue mobility, and thermodynamic stability) performed at Invitae indicates that this missense variant is not expected to disrupt SLC25A20 protein function.